The following is an entry in ClinVar:

NM_138376.3(TTC5):c.563C>T (p.Ser188Leu)

Gene: TTC5 (tetratricopeptide repeat domain 5; minus strand). Cytogenetic location: 14q11.2.
Variant type: single nucleotide variant.
Coding change: c.563C>T on transcript NM_138376.3 (MANE Select); coding-DNA position 563, C replaced by T.
Protein change: p.Ser188Leu; replaces serine 188 with leucine.
Molecular consequence: missense variant.
Genome position (GRCh38, 1-based): chr14:20,298,873, G>A on the plus strand (C>T on the coding strand, the complement: TTC5 is on the minus strand). VCF-style: chr14-20298873-G-A. GRCh37 (hg19) VCF-style: chr14-20767032-G-A.
Other names: short protein forms S188L.
Identifiers: ClinVar variation 3776536 (VCV003776536.1).
Genomic context (GRCh38, chr14:20,298,873, plus strand): 5'-CTGAGGGCTTGCTGGGAGATCTTAGGGTTCTGGCCAGTAGAGAAGTAAAGGGAAAGATAT[G>A]AATTCCCAAGAATATCTGAAAGAGAAACACAGTGACAAATCATCTCAGAGTCCAAGTTCA-3'
Protein context (NP_612385.2, residues 178-198): DGRSWYILGN[Ser188Leu]YLSLYFSTGQ

ClinVar aggregate classification (germline): Uncertain significance (1 of 4 stars; one submission).

gnomAD v4.1: 7 of 1,611,100 alleles (0.00043%); highest among the groups gnomAD compares: African/African-American, 0.0094%; no homozygotes.

Submission:

GeneDx
Classification: Uncertain significance. Last evaluated: 2024-10-03. Review status: criteria provided, single submitter. Criteria: GeneDx Variant Classification Process June 2021. Collection method: clinical testing. Allele origin: germline. Affected: yes.
Comment: In silico analysis supports that this missense variant has a deleterious effect on protein structure/function; Has not been previously published as pathogenic or benign to our knowledge